The following is an entry in ClinVar:

ClinVar aggregate classification (germline): Uncertain significance. Review status: criteria provided, multiple submitters, no conflicts (2 of 4 stars). 2 submissions from 2 submitters: Uncertain significance (2). Last evaluated 2022-11-01.

Conditions:
Cohen syndrome (COH1). Also called: PEPPER SYNDROME; Cutis verticis gyrata, retinitis pigmentosa, and sensorineural deafness. Identifiers: Orphanet 193, MedGen C0265223, MONDO:0008999, OMIM 216550.

Submissions (2):

Labcorp Genetics (formerly Invitae), Labcorp
Classification: Uncertain significance for Cohen syndrome. Last evaluated: 2022-11-01. Review status: criteria provided, single submitter. Criteria: Invitae Variant Classification Sherloc (09022015). Collection method: clinical testing. Allele origin: germline.
Comment: In summary, the available evidence is currently insufficient to determine the role of this variant in disease. Therefore, it has been classified as a Variant of Uncertain Significance. Advanced modeling of protein sequence and biophysical properties (such as structural, functional, and spatial information, amino acid conservation, physicochemical variation, residue mobility, and thermodynamic stability) performed at Invitae indicates that this missense variant is not expected to disrupt VPS13B protein function. ClinVar contains an entry for this variant (Variation ID: 361067). This variant has not been reported in the literature in individuals affected with VPS13B-related conditions. This variant is not present in population databases (gnomAD no frequency). This sequence change replaces aspartic acid, which is acidic and polar, with asparagine, which is neutral and polar, at codon 1883 of the VPS13B protein (p.Asp1883Asn).

Illumina Laboratory Services, Illumina
Classification: Uncertain significance for Cohen syndrome. Last evaluated: 2018-01-13. Review status: criteria provided, single submitter. Criteria: ICSL Variant Classification Criteria 13 December 2019. Collection method: clinical testing. Allele origin: germline.

NM_152564.5(VPS13B):c.5572G>A (p.Asp1858Asn)

Gene: VPS13B (vacuolar protein sorting 13 homolog B; plus strand). Cytogenetic location: 8q22.2.
Variant type: single nucleotide variant.
Coding change: c.5572G>A on transcript NM_152564.5 (MANE Select); coding-DNA position 5572, G replaced by A.
Protein change: p.Asp1858Asn; replaces aspartic acid 1858 with asparagine.
Molecular consequence: missense variant.
Genome position (GRCh38, 1-based): chr8:99,642,162, G>A. VCF-style: chr8-99642162-G-A. GRCh37 (hg19) VCF-style: chr8-100654390-G-A.
Other names: c.5647G>A, p.Asp1883Asn (NM_017890.5); short protein forms D1858N, D1883N.
Identifiers: ClinVar variation 361067 (VCV000361067.8), dbSNP rs886062542, ClinGen allele CA10631853.